The following is an entry in ClinVar:

NM_004082.5(DCTN1):c.2862G>A (p.Glu954=)

Gene: DCTN1 (dynactin subunit 1; minus strand). Cytogenetic location: 2p13.1.
Variant type: single nucleotide variant.
Coding change: c.2862G>A on transcript NM_004082.5 (MANE Select); coding-DNA position 2862, G replaced by A.
Protein change: p.Glu954=; no amino-acid change (glutamic acid 954 retained).
Molecular consequence: synonymous variant. On other transcripts: non-coding transcript variant (1).
Genome position (GRCh38, 1-based): chr2:74,365,917, C>T on the plus strand (G>A on the coding strand, the complement: DCTN1 is on the minus strand). VCF-style: chr2-74365917-C-T. GRCh37 (hg19) VCF-style: chr2-74593044-C-T.
Other names: p.Glu954=; c.2802G>A, p.Glu934= (NM_001135040.3); c.2460G>A, p.Glu820= (NM_001135041.3, NM_023019.4); c.2751G>A, p.Glu917= (NM_001190836.2); c.2841G>A, p.Glu947= (NM_001190837.2); c.2811G>A, p.Glu937= (NM_001378991.1); c.2793G>A, p.Glu931= (NM_001378992.1).
Identifiers: ClinVar variation 4684579 (VCV004684579.1).

ClinVar aggregate classification (germline): Likely benign (1 of 4 stars; one submission).

gnomAD v4.1: 1 of 1,614,248 alleles (0.000062%); highest among the groups gnomAD compares: Non-Finnish European, 0.000085%; no homozygotes.

Submission:

Mayo Clinic Laboratories, Mayo Clinic
Classification: Likely benign. Last evaluated: 2025-03-17. Review status: criteria provided, single submitter. Criteria: ACMG Guidelines, 2015. Collection method: clinical testing. Allele origin: germline. Observed: 1 variant allele.
Comment: BP4, BP7